The following is an entry in ClinVar:

ClinVar aggregate classification (germline): Uncertain significance. Review status: criteria provided, multiple submitters, no conflicts (2 of 4 stars). 2 submissions from 2 submitters: Uncertain significance (2). Last evaluated 2025-12-26.

Conditions:
Hereditary cancer-predisposing syndrome. Also called: Hereditary Cancer Syndrome; Neoplastic Syndromes, Hereditary; Tumor predisposition; Hereditary neoplastic syndrome. Identifiers: Orphanet 140162, MedGen C0027672, MeSH D009386, MONDO:0015356.
Familial cancer of breast. Also called: BREAST CANCER, FAMILIAL; hereditary breast carcinoma; Hereditary breast cancer. Identifiers: Orphanet 227535, MedGen C0346153, MONDO:0016419, OMIM 114480. Disease mechanism: loss of function.

gnomAD v4.1: 1 of 1,613,954 alleles (0.000062%); no homozygotes.

Submissions (2):

Ambry Genetics
Classification: Uncertain significance for Hereditary cancer-predisposing syndrome. Last evaluated: 2025-12-26. Review status: criteria provided, single submitter. Criteria: Ambry Variant Classification Scheme 2023. Collection method: clinical testing. Allele origin: germline.
Comment: The p.Q100E variant (also known as c.298C>G), located in coding exon 1 of the CHEK2 gene, results from a C to G substitution at nucleotide position 298. The glutamine at codon 100 is replaced by glutamic acid, an amino acid with highly similar properties. This amino acid position is conserved. In addition, the in silico prediction for this alteration is inconclusive. Based on the available evidence, the clinical significance of this variant remains unclear.

Labcorp Genetics (formerly Invitae), Labcorp
Classification: Uncertain significance for Familial cancer of breast. Last evaluated: 2025-01-07. Review status: criteria provided, single submitter. Criteria: Invitae Variant Classification Sherloc (09022015). Collection method: clinical testing. Allele origin: germline.
Comment: This sequence change replaces glutamine, which is neutral and polar, with glutamic acid, which is acidic and polar, at codon 100 of the CHEK2 protein (p.Gln100Glu). This variant is not present in population databases (gnomAD no frequency). This variant has not been reported in the literature in individuals affected with CHEK2-related conditions. An algorithm developed to predict the effect of missense changes on protein structure and function (PolyPhen-2) suggests that this variant is likely to be tolerated. In summary, the available evidence is currently insufficient to determine the role of this variant in disease. Therefore, it has been classified as a Variant of Uncertain Significance.

NM_007194.4(CHEK2):c.298C>G (p.Gln100Glu)

Gene: CHEK2 (checkpoint kinase 2; minus strand). Cytogenetic location: 22q12.1.
Variant type: single nucleotide variant.
Coding change: c.298C>G on transcript NM_007194.4 (MANE Select); coding-DNA position 298, C replaced by G.
Protein change: p.Gln100Glu; replaces glutamine 100 with glutamic acid.
Molecular consequence: missense variant.
Genome position (GRCh38, 1-based): chr22:28,734,424, G>C on the plus strand (C>G on the coding strand, the complement: CHEK2 is on the minus strand). VCF-style: chr22-28734424-G-C. GRCh37 (hg19) VCF-style: chr22-29130412-G-C.
Other names: c.298C>G, p.Gln100Glu (NM_001005735.3, NM_001349956.3, NM_145862.3); c.-480C>G (NM_001257387.3); c.298C>G (NM_007194.3); short protein forms Q100E.
Identifiers: ClinVar variation 3728605 (VCV003728605.3).